The following is an entry in ClinVar:

ClinVar aggregate classification (germline): Likely pathogenic (1 of 4 stars; one submission).

Conditions:
Juvenile polyposis syndrome (JPS). Identifiers: Orphanet 2929, MedGen C0345893, MONDO:0017380, OMIM 174900.

Submission:

MGZ Medical Genetics Center
Classification: Likely pathogenic for Juvenile polyposis syndrome. Last evaluated: 2021-12-31. Review status: criteria provided, single submitter. Criteria: ACMG Guidelines, 2015. Collection method: clinical testing. Allele origin: germline. Affected: yes. Observed: 1 variant allele.
Comment: ACMG criteria applied: PVS1, PM2_SUP

NM_005359.6(SMAD4):c.369del (p.Cys123fs)

Gene: SMAD4 (SMAD family member 4; plus strand). Cytogenetic location: 18q21.2.
Variant type: Deletion.
Coding change: c.369del on transcript NM_005359.6 (MANE Select); coding-DNA position 369, one base deleted (T; older notation c.369delT).
Protein change: p.Cys123fs; shifts the reading frame from cysteine 123.
Molecular consequence: frameshift variant.
Genome position (GRCh38, 1-based): chr18:51,048,805, T deleted. VCF-style (leftmost placement, unchanged base first): chr18-51048804-GT-G. GRCh37 (hg19) VCF-style: chr18-48575174-GT-G.
Other names: c.369delT, p.Cys123Trpfs (NM_001407041.1, NM_001407042.1, NM_001407043.1); short protein forms C123fs.
Identifiers: ClinVar variation 1709087 (VCV001709087.2), dbSNP rs2511369609, ClinGen allele CA2580095872.